The following continues an entry in ClinVar:

NM_000179.3(MSH6):c.3259C>T (p.Pro1087Ser)

Gene: MSH6. ClinVar aggregate classification (germline): Conflicting classifications of pathogenicity. Uncertain significance (8); Benign (1); Likely benign (9).

Submissions 13 to 22 of 22:

Institute of Human Genetics, University of Leipzig Medical Center
Classification: Uncertain significance for Breast carcinoma. Last evaluated: 2019-01-01. Review status: criteria provided, single submitter. Criteria: ACMG Guidelines, 2015. Collection method: clinical testing. Allele origin: unknown. Affected: yes.

Fulgent Genetics
Classification: Uncertain significance for Mismatch repair cancer syndrome 1; Endometrial carcinoma; Lynch syndrome 5. Last evaluated: 2018-10-31. Review status: criteria provided, single submitter. Criteria: ACMG Guidelines, 2015. Collection method: clinical testing. Allele origin: unknown.

Ambry Genetics
Classification: Likely benign for Hereditary cancer-predisposing syndrome. Last evaluated: 2018-07-18. Review status: criteria provided, single submitter. Criteria: Ambry Variant Classification Scheme 2023. Collection method: clinical testing. Allele origin: germline.

Institute for Biomarker Research, Medical Diagnostic Laboratories, L.L.C.
Classification: Uncertain significance for Hereditary cancer-predisposing syndrome. Last evaluated: 2018-05-23. Review status: criteria provided, single submitter. Criteria: ACMG Guidelines, 2015. Collection method: clinical testing. Allele origin: germline.

Center for Pediatric Genomic Medicine, Children's Mercy Hospital and Clinics
Classification: Uncertain significance. Last evaluated: 2017-08-25. Review status: criteria provided, single submitter. Criteria: ACMG Guidelines, 2015. Collection method: clinical testing. Allele origin: germline.

Laboratory for Molecular Medicine, Mass General Brigham Personalized Medicine
Classification: Uncertain significance. Last evaluated: 2016-06-16. Review status: criteria provided, single submitter. Criteria: LMM Criteria. Collection method: clinical testing. Allele origin: germline.
Comment: Variant identified in a genome or exome case(s) and assessed due to predicted null impact of the variant or pathogenic assertions in the literature or databases. Disclaimer: This variant has not undergone full assessment. The following are preliminary notes: ClinVar: 5 VUS (including expert panel - no new evidence since expert classification)

PreventionGenetics, part of Exact Sciences
Classification: Likely benign for MSH6-related condition. Last evaluated: 2020-12-15. Review status: no assertion criteria provided. Collection method: clinical testing. Allele origin: germline. Not counted in ClinVar's aggregate classification.
Comment: This variant is classified as likely benign based on ACMG/AMP sequence variant interpretation guidelines (Richards et al. 2015 PMID: 25741868, with internal and published modifications).

CSER _CC_NCGL, University of Washington
Classification: Uncertain significance for Ovarian cancer. Last evaluated: 2014-06-01. Review status: no assertion criteria provided. Collection method: research. Allele origin: germline. Inheritance: Autosomal dominant inheritance. Study: ESP 6500 variant annotation. Not counted in ClinVar's aggregate classification.
Comment: Variants classified for the Actionable exomic incidental findings in 6503 participants: challenges of variant classification manuscript

Diagnostic Laboratory, Department of Genetics, University Medical Center Groningen
Classification: Uncertain significance. Review status: no assertion criteria provided. Collection method: clinical testing. Allele origin: germline. Affected: yes. Study: VKGL Data-share Consensus. Not counted in ClinVar's aggregate classification.

Joint Genome Diagnostic Labs from Nijmegen and Maastricht, Radboudumc and MUMC+
Classification: Uncertain significance. Review status: no assertion criteria provided. Collection method: clinical testing. Allele origin: germline. Affected: yes. Study: VKGL Data-share Consensus. Not counted in ClinVar's aggregate classification.

Literature cited by the submitters: PubMed 36243179 (cited by Quest Diagnostics Nichols Institute San Juan Capistrano and Women's Health and Genetics/Laboratory Corporation of America, LabCorp); PubMed 16636019 (cited by Quest Diagnostics Nichols Institute San Juan Capistrano); PubMed 22495361 (cited by 4 submitters); PubMed 35449176 (cited by Quest Diagnostics Nichols Institute San Juan Capistrano and Women's Health and Genetics/Laboratory Corporation of America, LabCorp); PubMed 11470537 (cited by 4 submitters); PubMed 28466842 (cited by 5 submitters); PubMed 31882575 (cited by Quest Diagnostics Nichols Institute San Juan Capistrano); PubMed 32547938 (cited by Quest Diagnostics Nichols Institute San Juan Capistrano); PubMed 33471991 (cited by 3 submitters); PubMed 26483394 (cited by 4 submitters); PubMed 23621914 (cited by Quest Diagnostics Nichols Institute San Juan Capistrano and Women's Health and Genetics/Laboratory Corporation of America, LabCorp); PubMed 15782118 (cited by 3 submitters); PubMed 22102614 (cited by 6 submitters); PubMed 16408224 (cited by 4 submitters); PubMed 23047549 (cited by 5 submitters); PubMed 25637381 (cited by 3 submitters); PubMed 27363726 (cited by Myriad Genetics, Inc.); PubMed 12019211 (cited by Ambry Genetics); PubMed 24040339 (cited by Ambry Genetics).